The following is an entry in ClinVar:

ClinVar aggregate classification (germline): Uncertain significance (1 of 4 stars; one submission).

Conditions:
Common variable immunodeficiency (CVID). Also called: Common variable hypogamma-globulinemia; Common variable agammaglobulinemia. Identifiers: Orphanet 1572, MedGen C0009447, MONDO:0015517.

Submission:

Labcorp Genetics (formerly Invitae), Labcorp
Classification: Uncertain significance for Common variable immunodeficiency. Last evaluated: 2024-10-23. Review status: criteria provided, single submitter. Criteria: Invitae Variant Classification Sherloc (09022015). Collection method: clinical testing. Allele origin: germline.
Comment: This sequence change replaces serine, which is neutral and polar, with asparagine, which is neutral and polar, at codon 46 of the TNFSF12 protein (p.Ser46Asn). This variant is not present in population databases (gnomAD no frequency). This variant has not been reported in the literature in individuals affected with TNFSF12-related conditions. Experimental studies and prediction algorithms are not available or were not evaluated, and the functional significance of this variant is currently unknown. In summary, the available evidence is currently insufficient to determine the role of this variant in disease. Therefore, it has been classified as a Variant of Uncertain Significance.

NM_003809.3(TNFSF12):c.137G>A (p.Ser46Asn)

Genes: TNFSF12 (TNF superfamily member 12; plus strand), TNFSF12-TNFSF13 (TNFSF12-TNFSF13 readthrough; plus strand). Cytogenetic location: 17p13.1.
Variant type: single nucleotide variant.
Coding change: c.137G>A on transcript NM_003809.3 (MANE Select); coding-DNA position 137, G replaced by A.
Protein change: p.Ser46Asn; replaces serine 46 with asparagine.
Molecular consequence: missense variant. On other transcripts: non-coding transcript variant (1).
Genome position (GRCh38, 1-based): chr17:7,549,290, G>A. VCF-style: chr17-7549290-G-A. GRCh37 (hg19) VCF-style: chr17-7452607-G-A.
Other names: c.137G>A, p.Ser46Asn (NM_172089.4); short protein forms S46N.
Identifiers: ClinVar variation 3643627 (VCV003643627.2).